The following is an entry in ClinVar:

NM_001018005.2(TPM1):c.630G>T (p.Gln210His)

Gene: TPM1 (tropomyosin 1; plus strand). Cytogenetic location: 15q22.2.
Variant type: single nucleotide variant.
Coding change: c.630G>T on transcript NM_001018005.2 (MANE Select); coding-DNA position 630, G replaced by T.
Protein change: p.Gln210His; replaces glutamine 210 with histidine.
Molecular consequence: missense variant. On other transcripts: intron variant (6).
Genome position (GRCh38, 1-based): chr15:63,061,779, G>T. VCF-style: chr15-63061779-G-T. GRCh37 (hg19) VCF-style: chr15-63353978-G-T.
Other names: c.630G>T, p.Gln210His (NM_001018004.2, NM_001018007.2, NM_001301244.2 and 3 more transcripts); c.522G>T, p.Gln174His (NM_001018008.2, NM_001301289.2, NM_001330346.2 and 2 more transcripts); c.756G>T, p.Gln252His (NM_001365778.1); c.640-436G>T (NM_001018020.2, NM_001018006.2, NM_000366.6); c.532-436G>T (NM_001330351.2, NM_001330344.2, NM_001365781.2); short protein forms Q174H, Q210H, Q252H.
Identifiers: ClinVar variation 944857 (VCV000944857.12), dbSNP rs761816813, ClinGen allele CA392724326.

ClinVar aggregate classification (germline): Uncertain significance. Review status: criteria provided, multiple submitters, no conflicts (2 of 4 stars). 6 submissions from 6 submitters: Uncertain significance (6). Last evaluated 2025-08-29.

Conditions:
Hypertrophic cardiomyopathy. Also called: HYPERTROPHIC MYOCARDIOPATHY. Identifiers: Orphanet 217569, MedGen C0007194, MeSH D002312, MONDO:0005045, HP:0001639.
Cardiomyopathy (CMYO). Also called: Cardiomyopathies. Identifiers: Orphanet 167848, MedGen C0878544, MONDO:0004994, HP:0001638. Inheritance: Various modes of inheritance.
Cardiovascular phenotype. Identifiers: MedGen CN230736.
Dilated cardiomyopathy 1Y (CMD1Y). Identifiers: Orphanet 154, Orphanet 54260, MedGen C2678476, MONDO:0012744, OMIM 611878.
Hypertrophic cardiomyopathy 3. Also called: TPM1-Related Familial Hypertrophic Cardiomyopathy. Identifiers: MedGen C1861863, MONDO:0007267, OMIM 115196.

Allele frequency attached by ClinVar (database versions not stated): gnomAD 0.00001; TOPMed 0.00001.
gnomAD v4.1: 9 of 1,614,048 alleles (0.00056%); highest among the groups gnomAD compares: African/African-American, 0.0013%; no homozygotes.

Submissions (6):

Labcorp Genetics (formerly Invitae), Labcorp
Classification: Uncertain significance for Hypertrophic cardiomyopathy. Last evaluated: 2025-08-29. Review status: criteria provided, single submitter. Criteria: Invitae Variant Classification Sherloc (09022015). Collection method: clinical testing. Allele origin: germline.
Comment: This sequence change replaces glutamine, which is neutral and polar, with histidine, which is basic and polar, at codon 210 of the TPM1 protein (p.Gln210His). This variant is not present in population databases (gnomAD no frequency). This variant has not been reported in the literature in individuals affected with TPM1-related conditions. ClinVar contains an entry for this variant (Variation ID: 944857). An algorithm developed to predict the effect of missense changes on protein structure and function (PolyPhen-2) suggests that this variant is likely to be disruptive. This variant disrupts the p.Gln210 amino acid residue in TPM1. Other variant(s) that disrupt this residue have been determined to be pathogenic (PMID: 23283745, 34598319, 38002985; internal data). This suggests that this residue is clinically significant, and that variants that disrupt this residue are likely to be disease-causing. In summary, the available evidence is currently insufficient to determine the role of this variant in disease. Therefore, it has been classified as a Variant of Uncertain Significance.

All of Us Research Program, National Institutes of Health
Classification: Uncertain significance for Hypertrophic cardiomyopathy. Last evaluated: 2024-06-11. Review status: criteria provided, single submitter. Criteria: ACMG Guidelines, 2015. Collection method: clinical testing. Allele origin: germline. Inheritance: Autosomal dominant inheritance. Observed: 1 variant allele, 1 heterozygote.
Comment: This missense variant replaces glutamine with histidine at codon 210 of the TPM1 protein. Computational prediction suggests that this variant may have deleterious impact on protein structure and function (internally defined REVEL score threshold >= 0.7, PMID: 27666373). To our knowledge, functional studies have not been reported for this variant. This variant has not been reported in individuals affected with cardiovascular disorders in the literature. This variant has not been identified in the general population by the Genome Aggregation Database (gnomAD). The available evidence is insufficient to determine the role of this variant in disease conclusively. Therefore, this variant is classified as a Variant of Uncertain Significance.

This study involves interpretation of variants in research participants for the purpose of population health screening. Participant phenotype was not available at the time of variant classification. Additional details can be found in publication PMID: 35346344, PMCID: PMC8962531

Color Diagnostics, LLC DBA Color Health
Classification: Uncertain significance for Cardiomyopathy. Last evaluated: 2024-03-06. Review status: criteria provided, single submitter. Criteria: ACMG Guidelines, 2015. Collection method: clinical testing. Allele origin: germline.
Comment: This missense variant replaces glutamine with histidine at codon 210 of the TPM1 protein. Computational prediction suggests that this variant may have deleterious impact on protein structure and function (internally defined REVEL score threshold >= 0.7, PMID: 27666373). To our knowledge, functional studies have not been reported for this variant. This variant has not been reported in individuals affected with cardiovascular disorders in the literature. This variant has not been identified in the general population by the Genome Aggregation Database (gnomAD). The available evidence is insufficient to determine the role of this variant in disease conclusively. Therefore, this variant is classified as a Variant of Uncertain Significance.

GeneDx
Classification: Uncertain significance. Last evaluated: 2024-01-30. Review status: criteria provided, single submitter. Criteria: GeneDx Variant Classification Process June 2021. Collection method: clinical testing. Allele origin: germline. Affected: yes.
Comment: Has not been previously published as pathogenic or benign to our knowledge; Not observed at significant frequency in large population cohorts (gnomAD); In silico analysis supports that this missense variant does not alter protein structure/function

Fulgent Genetics
Classification: Uncertain significance for Hypertrophic cardiomyopathy 3; Dilated cardiomyopathy 1Y. Last evaluated: 2021-10-31. Review status: criteria provided, single submitter. Criteria: ACMG Guidelines, 2015. Collection method: clinical testing. Allele origin: unknown.

Ambry Genetics
Classification: Uncertain significance for Cardiovascular phenotype. Last evaluated: 2021-09-10. Review status: criteria provided, single submitter. Criteria: Ambry Variant Classification Scheme 2023. Collection method: clinical testing. Allele origin: germline.
Comment: The p.Q210H variant (also known as c.630G>T), located in coding exon 6 of the TPM1 gene, results from a G to T substitution at nucleotide position 630. The glutamine at codon 210 is replaced by histidine, an amino acid with highly similar properties. This amino acid position is conserved. In addition, this alteration is predicted to be deleterious by in silico analysis. Since supporting evidence is limited at this time, the clinical significance of this alteration remains unclear.

Literature cited by the submitters: PubMed 23283745 (cited by Labcorp Genetics (formerly Invitae), Labcorp); PubMed 34598319 (cited by Labcorp Genetics (formerly Invitae), Labcorp); PubMed 38002985 (cited by Labcorp Genetics (formerly Invitae), Labcorp).